The following is an entry in ClinVar:

NM_004655.4(AXIN2):c.1538A>G (p.His513Arg)

Gene: AXIN2 (axin 2; minus strand). Cytogenetic location: 17q24.1.
Variant type: single nucleotide variant.
Coding change: c.1538A>G on transcript NM_004655.4 (MANE Select); coding-DNA position 1538, A replaced by G.
Protein change: p.His513Arg; replaces histidine 513 with arginine.
Molecular consequence: missense variant.
Genome position (GRCh38, 1-based): chr17:65,537,498, T>C on the plus strand (A>G on the coding strand, the complement: AXIN2 is on the minus strand). VCF-style: chr17-65537498-T-C. GRCh37 (hg19) VCF-style: chr17-63533616-T-C.
Other names: c.1538A>G (NM_004655.3); c.1538A>G, p.His513Arg (NM_001363813.1); short protein forms H513R.
Identifiers: ClinVar variation 1003313 (VCV001003313.9), dbSNP rs2043950211, ClinGen allele CA400677310.

ClinVar aggregate classification (germline): Uncertain significance. Review status: criteria provided, multiple submitters, no conflicts (2 of 4 stars). 2 submissions from 2 submitters: Uncertain significance (2). Last evaluated 2026-07-07.

Conditions:
Oligodontia-cancer predisposition syndrome. Also called: TOOTH AGENESIS-COLORECTAL CANCER SYNDROME. Identifiers: Orphanet 300576, MedGen C1837750, MONDO:0012075, OMIM 608615. Disease mechanism: loss of function.
Hereditary cancer-predisposing syndrome. Also called: Tumor predisposition; Hereditary Cancer Syndrome; Hereditary neoplastic syndrome; Neoplastic Syndromes, Hereditary. Identifiers: Orphanet 140162, MedGen C0027672, MeSH D009386, MONDO:0015356.

Submissions (2):

Ambry Genetics
Classification: Uncertain significance for Hereditary cancer-predisposing syndrome. Last evaluated: 2026-07-07. Review status: criteria provided, single submitter. Criteria: Ambry Variant Classification Scheme 2023. Collection method: clinical testing. Allele origin: germline.
Comment: The p.H513R variant (also known as c.1538A>G), located in coding exon 5 of the AXIN2 gene, results from an A to G substitution at nucleotide position 1538. The histidine at codon 513 is replaced by arginine, an amino acid with highly similar properties. This amino acid position is conserved. In addition, the in silico prediction for this alteration is inconclusive. Based on the available evidence, the clinical significance of this variant remains unclear.

Labcorp Genetics (formerly Invitae), Labcorp
Classification: Uncertain significance for Oligodontia-cancer predisposition syndrome. Last evaluated: 2020-10-03. Review status: criteria provided, single submitter. Criteria: Invitae Variant Classification Sherloc (09022015). Collection method: clinical testing. Allele origin: germline.
Comment: This variant has not been reported in the literature in individuals with AXIN2-related conditions. This sequence change replaces histidine with arginine at codon 513 of the AXIN2 protein (p.His513Arg). The histidine residue is highly conserved and there is a small physicochemical difference between histidine and arginine. This variant is not present in population databases (ExAC no frequency). Algorithms developed to predict the effect of missense changes on protein structure and function are either unavailable or do not agree on the potential impact of this missense change (SIFT: "Tolerated"; PolyPhen-2: "Probably Damaging"; Align-GVGD: "Class C0"). In summary, the available evidence is currently insufficient to determine the role of this variant in disease. Therefore, it has been classified as a Variant of Uncertain Significance.